The following is an entry in ClinVar:

ClinVar aggregate classification (germline): Benign/Likely benign. Review status: criteria provided, multiple submitters, no conflicts (2 of 4 stars). 5 submissions from 5 submitters: Benign (2); Likely benign (2). 1 of the submissions does not count toward it. Last evaluated 2026-07-01.

Conditions:
Luscan-Lumish syndrome. Identifiers: Orphanet 597738, MedGen C4085873, MONDO:0014791, OMIM 616831.

Allele frequency attached by ClinVar (database versions not stated): gnomAD exomes 0.00120 and 0.00069; TOPMed 0.00057; gnomAD 0.00063 and 0.00064; ESP Exome Variant Server 0.00069; 1000 Genomes Project 30x 0.00094; 1000 Genomes Project 0.00100; ExAC 0.00103.
gnomAD v4.1: 1,144 of 1,614,152 alleles (0.071%); highest among the groups gnomAD compares: South Asian, 0.36%; 9 homozygotes.

Submissions (5):

CeGaT Center for Human Genetics Tuebingen
Classification: Likely benign. Last evaluated: 2026-07-01. Review status: criteria provided, single submitter. Criteria: CeGaT Center For Human Genetics Tuebingen Variant Classification Criteria Version 2. Collection method: clinical testing. Allele origin: germline. Affected: yes. Observed: 2 variant alleles.
Comment: SETD2: BP4, BS1

Labcorp Genetics (formerly Invitae), Labcorp
Classification: Likely benign for Luscan-Lumish syndrome. Last evaluated: 2024-04-24. Review status: criteria provided, single submitter. Criteria: Invitae Variant Classification Sherloc (09022015). Collection method: clinical testing. Allele origin: germline.

Genome-Nilou Lab
Classification: Benign for Luscan-Lumish syndrome. Last evaluated: 2022-03-15. Review status: criteria provided, single submitter. Criteria: ACMG Guidelines, 2015. Collection method: clinical testing. Allele origin: germline. Affected: no.

Genetic Services Laboratory, University of Chicago
Classification: Benign. Last evaluated: 2020-04-22. Review status: criteria provided, single submitter. Criteria: ACMG Guidelines, 2015. Collection method: clinical testing. Allele origin: germline. Affected: no.

ITMI
No classification provided. Condition: AllHighlyPenetrant. Last evaluated: 2013-09-19. Review status: no classification provided. Collection method: reference population. Allele origin: germline. Not counted in ClinVar's aggregate classification.
Comment: Please see associated publication for description of ethnicities

Literature cited by the submitters: PubMed 24728327 (cited by ITMI).

NM_014159.7(SETD2):c.3097A>G (p.Thr1033Ala)

Gene: SETD2 (SET domain containing 2, histone lysine methyltransferase; minus strand). Cytogenetic location: 3p21.31.
Variant type: single nucleotide variant.
Coding change: c.3097A>G on transcript NM_014159.7 (MANE Select); coding-DNA position 3097, A replaced by G.
Protein change: p.Thr1033Ala; replaces threonine 1033 with alanine.
Molecular consequence: missense variant. On other transcripts: non-coding transcript variant (1).
Genome position (GRCh38, 1-based): chr3:47,121,539, T>C on the plus strand (A>G on the coding strand, the complement: SETD2 is on the minus strand). VCF-style: chr3-47121539-T-C. GRCh37 (hg19) VCF-style: chr3-47163029-T-C.
Other names: c.2965A>G, p.Thr989Ala (NM_001349370.3); short protein forms T1033A, T989A.
Identifiers: ClinVar variation 135215 (VCV000135215.38), dbSNP rs145759179, ClinGen allele CA162038.